The following is an entry in ClinVar:

ClinVar aggregate classification (germline): Uncertain significance. Review status: criteria provided, multiple submitters, no conflicts (2 of 4 stars). 5 submissions from 5 submitters: Uncertain significance (5). Last evaluated 2026-01-11.

Conditions:
Developmental and epileptic encephalopathy, 1 (DEE1). Also called: X-linked infantile spasms; West's syndrome; Tonic spasms with clustering, arrest of psychomotor development and hypsarrhythmia on EEG; X-Linked Infantile Spasm Syndrome; OHTAHARA SYNDROME, X-LINKED; Epileptic encephalopathy, early infantile, 1. Identifiers: MedGen C3463992, MONDO:0010632, OMIM 308350. Disease mechanism: loss of function.
Autosomal dominant nonsyndromic hearing loss 65. Also called: TBC1D24-Related Autosomal Dominant Nonsyndromic Hearing Loss (DFNA); Deafness, autosomal dominant 65. Identifiers: Orphanet 90635, MedGen C3892048, MONDO:0014470, OMIM 616044.
Inborn genetic diseases. Identifiers: MedGen C0950123, MeSH D030342.

Allele frequency attached by ClinVar (database versions not stated): ExAC 0.00001; gnomAD exomes below 0.00001 and 0.00002; TOPMed 0.00002.
gnomAD v4.1: 5 of 1,612,256 alleles (0.00031%); highest among the groups gnomAD compares: Admixed American, 0.005%; no homozygotes.

Submissions (5):

Labcorp Genetics (formerly Invitae), Labcorp
Classification: Uncertain significance for Developmental and epileptic encephalopathy, 1; Autosomal dominant nonsyndromic hearing loss 65. Last evaluated: 2026-01-11. Review status: criteria provided, single submitter. Criteria: Invitae Variant Classification Sherloc (09022015). Collection method: clinical testing. Allele origin: germline.
Comment: This sequence change replaces asparagine, which is neutral and polar, with serine, which is neutral and polar, at codon 162 of the TBC1D24 protein (p.Asn162Ser). This variant is present in population databases (rs772054145, gnomAD 0.01%). This variant has not been reported in the literature in individuals affected with TBC1D24-related conditions. ClinVar contains an entry for this variant (Variation ID: 506170). Invitae Evidence Modeling of protein sequence and biophysical properties (such as structural, functional, and spatial information, amino acid conservation, physicochemical variation, residue mobility, and thermodynamic stability) indicates that this missense variant is not expected to disrupt TBC1D24 protein function with a negative predictive value of 80%. In summary, the available evidence is currently insufficient to determine the role of this variant in disease. Therefore, it has been classified as a Variant of Uncertain Significance.

GeneDx
Classification: Uncertain significance. Last evaluated: 2025-12-20. Review status: criteria provided, single submitter. Criteria: GeneDx Variant Classification Process June 2021. Collection method: clinical testing. Allele origin: germline.
Comment: Not observed at significant frequency in large population cohorts (gnomAD); In silico analysis suggests that this missense variant does not alter protein structure/function; Has not been previously published as pathogenic or benign to our knowledge

Ambry Genetics
Classification: Uncertain significance for Inborn genetic diseases. Last evaluated: 2022-06-10. Review status: criteria provided, single submitter. Criteria: Ambry Variant Classification Scheme 2023. Collection method: clinical testing. Allele origin: germline.

Athena Diagnostics
Classification: Uncertain significance. Last evaluated: 2018-11-12. Review status: criteria provided, single submitter. Criteria: Athena Diagnostics Criteria. Collection method: clinical testing. Allele origin: germline.

Laboratory for Molecular Medicine, Mass General Brigham Personalized Medicine
Classification: Uncertain significance. Last evaluated: 2017-09-28. Review status: criteria provided, single submitter. Criteria: LMM Criteria. Collection method: clinical testing. Allele origin: germline. Observed: 1 variant allele.
Comment: The p.Asn162Ser variant in TBC1D24 has not been previously reported in individua ls with hearing loss, nonsyndromic epilepsy, or DOORS syndrome, but has been ide ntified in 0.01% (4/33566) of Latino chromosomes by the Genome Aggregation Datab ase (gnomAD; dbSNP rs772054145). Although this variant has been seen in the general population, its frequency is not high enou gh to rule out a pathogenic role. Computational prediction tools and conservatio n analysis do not provide strong support for or against an impact to the protein . In summary, the clinical significance of the p.Asn162Ser variant is uncertain. ACMG/AMP Criteria applied: PM2 supporting (Richards 2015).

Literature cited by the submitters: PubMed 27281533 (cited by Laboratory for Molecular Medicine, Mass General Brigham Personalized Medicine).

NM_001199107.2(TBC1D24):c.485A>G (p.Asn162Ser)

Gene: TBC1D24 (TBC1 domain family member 24; plus strand). Cytogenetic location: 16p13.3.
Variant type: single nucleotide variant.
Coding change: c.485A>G on transcript NM_001199107.2 (MANE Select); coding-DNA position 485, A replaced by G.
Protein change: p.Asn162Ser; replaces asparagine 162 with serine.
Molecular consequence: missense variant.
Genome position (GRCh38, 1-based): chr16:2,496,633, A>G. VCF-style: chr16-2496633-A-G. GRCh37 (hg19) VCF-style: chr16-2546634-A-G.
Other names: c.485A>G, p.Asn162Ser (NM_020705.3); short protein forms N162S.
Identifiers: ClinVar variation 506170 (VCV000506170.18), dbSNP rs772054145, ClinGen allele CA7844010.